The following is an entry in ClinVar:

NM_001364171.2(ODAD1):c.1921G>A (p.Val641Ile)

Gene: ODAD1 (outer dynein arm docking complex subunit 1; minus strand). Cytogenetic location: 19q13.33.
Variant type: single nucleotide variant.
Coding change: c.1921G>A on transcript NM_001364171.2 (MANE Select); coding-DNA position 1921, G replaced by A.
Protein change: p.Val641Ile; replaces valine 641 with isoleucine.
Molecular consequence: missense variant.
Genome position (GRCh38, 1-based): chr19:48,297,179, C>T on the plus strand (G>A on the coding strand, the complement: ODAD1 is on the minus strand). VCF-style: chr19-48297179-C-T. GRCh37 (hg19) VCF-style: chr19-48800436-C-T.
Other names: c.1810G>A, p.Val604Ile (NM_144577.4); short protein forms V604I, V641I.
Identifiers: ClinVar variation 1682856 (VCV001682856.4), dbSNP rs774257310, ClinGen allele CA9548526.
Genomic context (GRCh38, chr19:48,297,179, plus strand): 5'-TTTCTCCGCCCCTGCTGGACCCCACGTATCCAGTGGAGCCCAGGTAGCTGCTGGCGCTGA[C>T]GGGTCTGAAGGTCACGTGGCCCCCACTCGAGGCACTGGTGGAGCCGAAGGTCACGTGGCC-3'
Protein context (NP_001351100.1, residues 631-651): SSGGHVTFRP[Val641Ile]SASSYLGSTG

ClinVar aggregate classification (germline): Uncertain significance (1 of 4 stars; one submission).

Conditions:
Primary ciliary dyskinesia. Also called: Ciliary dyskinesia. Identifiers: Orphanet 244, MedGen C0008780, MONDO:0016575, HP:0012265.

Allele frequency attached by ClinVar (database versions not stated): ExAC 0.00001; gnomAD exomes 0.00002 and 0.00003.
gnomAD v4.1: 50 of 1,614,004 alleles (0.0031%); highest among the groups gnomAD compares: African/African-American, 0.004%; no homozygotes.

Submission:

Labcorp Genetics (formerly Invitae), Labcorp
Classification: Uncertain significance for Primary ciliary dyskinesia. Last evaluated: 2021-10-08. Review status: criteria provided, single submitter. Criteria: Invitae Variant Classification Sherloc (09022015). Collection method: clinical testing. Allele origin: germline.
Comment: In summary, the available evidence is currently insufficient to determine the role of this variant in disease. Therefore, it has been classified as a Variant of Uncertain Significance. Algorithms developed to predict the effect of missense changes on protein structure and function output the following: SIFT: "Tolerated"; PolyPhen-2: "Benign"; Align-GVGD: "Class C0". The isoleucine amino acid residue is found in multiple mammalian species, which suggests that this missense change does not adversely affect protein function. This variant has not been reported in the literature in individuals affected with CCDC114-related conditions. This variant is present in population databases (rs774257310, ExAC 0.002%). This sequence change replaces valine with isoleucine at codon 604 of the CCDC114 protein (p.Val604Ile). The valine residue is weakly conserved and there is a small physicochemical difference between valine and isoleucine.